The following is an entry in ClinVar:

NM_000719.7(CACNA1C):c.906G>T (p.Glu302Asp)

Gene: CACNA1C (calcium voltage-gated channel subunit alpha1 C; plus strand). Cytogenetic location: 12p13.33.
Variant type: single nucleotide variant.
Coding change: c.906G>T on transcript NM_000719.7 (MANE Select); coding-DNA position 906, G replaced by T.
Protein change: p.Glu302Asp; replaces glutamic acid 302 with aspartic acid.
Molecular consequence: missense variant.
Genome position (GRCh38, 1-based): chr12:2,486,252, G>T. VCF-style: chr12-2486252-G-T. GRCh37 (hg19) VCF-style: chr12-2595418-G-T.
Other names: c.906G>T, p.Glu302Asp (NM_001129839.2, NM_001129840.2, NM_001129841.2 and 19 more transcripts); short protein forms E302D.
Identifiers: ClinVar variation 3674338 (VCV003674338.3).

ClinVar aggregate classification (germline): Uncertain significance. Review status: criteria provided, multiple submitters, no conflicts (2 of 4 stars). 2 submissions from 2 submitters: Uncertain significance (2). Last evaluated 2026-05-14.

Conditions:
Long QT syndrome (LQTS). Identifiers: MedGen C0023976, MeSH D008133, MONDO:0002442. Disease mechanism: loss of function. Inheritance: Various modes of inheritance.
CACNA1C-related disorder. Also called: CACNA1C-related condition; CACNA1C-related disorders. Identifiers: MedGen CN381092, MONDO:0700321.

gnomAD v4.1: 1 of 1,613,148 alleles (0.000062%); highest among the groups gnomAD compares: Admixed American, 0.0017%; no homozygotes.

Submissions (2):

PreventionGenetics, part of Exact Sciences
Classification: Uncertain significance for CACNA1C-related condition. Last evaluated: 2026-05-14. Review status: criteria provided, single submitter. Criteria: ACMG Guidelines, 2015. Collection method: clinical testing. Allele origin: germline.
Comment: The CACNA1C c.906G>T variant is predicted to result in the amino acid substitution p.Glu302Asp. To our knowledge, this variant has not been reported in the literature or in a large population database (gnomAD), indicating this variant is rare. At this time, the clinical significance of this variant is uncertain due to the absence of conclusive functional and genetic evidence.

Labcorp Genetics (formerly Invitae), Labcorp
Classification: Uncertain significance for Long QT syndrome. Last evaluated: 2024-07-06. Review status: criteria provided, single submitter. Criteria: Invitae Variant Classification Sherloc (09022015). Collection method: clinical testing. Allele origin: germline.
Comment: This sequence change replaces glutamic acid, which is acidic and polar, with aspartic acid, which is acidic and polar, at codon 302 of the CACNA1C protein (p.Glu302Asp). This variant is not present in population databases (gnomAD no frequency). This variant has not been reported in the literature in individuals affected with CACNA1C-related conditions. Advanced modeling of protein sequence and biophysical properties (such as structural, functional, and spatial information, amino acid conservation, physicochemical variation, residue mobility, and thermodynamic stability) performed at Invitae indicates that this missense variant is not expected to disrupt CACNA1C protein function with a negative predictive value of 95%. In summary, the available evidence is currently insufficient to determine the role of this variant in disease. Therefore, it has been classified as a Variant of Uncertain Significance.